The following is an entry in ClinVar:

NM_032043.3(BRIP1):c.604A>G (p.Ile202Val)

Gene: BRIP1 (BRCA1 interacting DNA helicase 1; minus strand). Cytogenetic location: 17q23.2.
Variant type: single nucleotide variant.
Coding change: c.604A>G on transcript NM_032043.3 (MANE Select); coding-DNA position 604, A replaced by G.
Protein change: p.Ile202Val; replaces isoleucine 202 with valine.
Molecular consequence: missense variant.
Genome position (GRCh38, 1-based): chr17:61,847,124, T>C on the plus strand (A>G on the coding strand, the complement: BRIP1 is on the minus strand). VCF-style: chr17-61847124-T-C. GRCh37 (hg19) VCF-style: chr17-59924485-T-C.
Other names: short protein forms I202V.
Identifiers: ClinVar variation 407787 (VCV000407787.23), dbSNP rs778275257, ClinGen allele CA16615523.
Genomic context (GRCh38, chr17:61,847,124, plus strand): 5'-TCCTTCTTTAAAACTGAACAATGGCATTAATACATACTTTCTGTGGCGAAAAGGAGTTTA[T>C]CTTTTCCAGTGGAGAGTTGAGTTTTACAGTCTTTCCTGAATCAACTTTTGCATCCAAATT-3'
Protein context (NP_114432.2, residues 192-212): TVKLNSPLEK[Ile202Val]NSFSPQKPPG

ClinVar aggregate classification (germline): Uncertain significance. Review status: criteria provided, multiple submitters, no conflicts (2 of 4 stars). 6 submissions from 6 submitters: Uncertain significance (6). Last evaluated 2026-01-14.

Conditions:
Hereditary cancer-predisposing syndrome. Also called: Hereditary neoplastic syndrome; Neoplastic Syndromes, Hereditary; Tumor predisposition; Hereditary Cancer Syndrome. Identifiers: Orphanet 140162, MedGen C0027672, MeSH D009386, MONDO:0015356.
Familial cancer of breast. Also called: Hereditary breast cancer; hereditary breast carcinoma; BREAST CANCER, FAMILIAL. Identifiers: Orphanet 227535, MedGen C0346153, MONDO:0016419, OMIM 114480. Disease mechanism: loss of function.
Fanconi anemia complementation group J. Also called: BRIP1-Related Fanconi Anemia. Identifiers: Orphanet 84, MedGen C1836860, MONDO:0012187, OMIM 609054.

Allele frequency attached by ClinVar (database versions not stated): TOPMed below 0.00001; gnomAD exomes 0.00001.
gnomAD v4.1: 13 of 1,613,804 alleles (0.00081%); highest among the groups gnomAD compares: Non-Finnish European, 0.001%; no homozygotes.

Submissions (6):

Labcorp Genetics (formerly Invitae), Labcorp
Classification: Uncertain significance for Familial cancer of breast; Fanconi anemia complementation group J. Last evaluated: 2026-01-14. Review status: criteria provided, single submitter. Criteria: Invitae Variant Classification Sherloc (09022015). Collection method: clinical testing. Allele origin: germline.
Comment: This sequence change replaces isoleucine, which is neutral and non-polar, with valine, which is neutral and non-polar, at codon 202 of the BRIP1 protein (p.Ile202Val). This variant is not present in population databases (gnomAD no frequency). This variant has not been reported in the literature in individuals affected with BRIP1-related conditions. ClinVar contains an entry for this variant (Variation ID: 407787). Invitae Evidence Modeling of protein sequence and biophysical properties (such as structural, functional, and spatial information, amino acid conservation, physicochemical variation, residue mobility, and thermodynamic stability) indicates that this missense variant is not expected to disrupt BRIP1 protein function with a negative predictive value of 95%. Algorithms developed to predict the effect of sequence changes on RNA splicing suggest that this variant may disrupt the consensus splice site. In summary, the available evidence is currently insufficient to determine the role of this variant in disease. Therefore, it has been classified as a Variant of Uncertain Significance.

Ambry Genetics
Classification: Uncertain significance for Hereditary cancer-predisposing syndrome. Last evaluated: 2024-05-16. Review status: criteria provided, single submitter. Criteria: Ambry Variant Classification Scheme 2023. Collection method: clinical testing. Allele origin: germline.
Comment: The p.I202V variant (also known as c.604A>G), located in coding exon 5 of the BRIP1 gene, results from an A to G substitution at nucleotide position 604. The isoleucine at codon 202 is replaced by valine, an amino acid with highly similar properties. This amino acid position is poorly conserved on limited sequence alignment. In silico splice site analysis predicts that this alteration will weaken the native splice donor site and will result in the creation or strengthening of a novel splice donor site; however, direct evidence is insufficient at this time (Ambry internal data). In addition, as a missense substitution this is predicted to be tolerated by in silico analysis. Based on the available evidence, the clinical significance of this variant remains unclear.

Color Diagnostics, LLC DBA Color Health
Classification: Uncertain significance for Hereditary cancer-predisposing syndrome. Last evaluated: 2023-12-05. Review status: criteria provided, single submitter. Criteria: ACMG Guidelines, 2015. Collection method: clinical testing. Allele origin: germline.
Comment: This missense variant replaces isoleucine with valine at codon 202 of the BRIP1 protein. Computational prediction suggests that this variant may not impact protein structure and function (internally defined REVEL score threshold <= 0.5, PMID: 27666373). To our knowledge, functional studies have not been reported for this variant. This variant has not been reported in individuals affected with BRIP1-related disorders in the literature. This variant has not been identified in the general population by the Genome Aggregation Database (gnomAD). The available evidence is insufficient to determine the role of this variant in disease conclusively. Therefore, this variant is classified as a Variant of Uncertain Significance.

Baylor Genetics
Classification: Uncertain significance for Familial cancer of breast. Last evaluated: 2022-12-19. Review status: criteria provided, single submitter. Criteria: ACMG Guidelines, 2015. Collection method: clinical testing. Allele origin: unknown.

Sema4
Classification: Uncertain significance for Hereditary cancer-predisposing syndrome. Last evaluated: 2022-02-10. Review status: criteria provided, single submitter. Criteria: Sema4 Curation Guidelines. Collection method: curation. Allele origin: germline.
Comment: The BRIP1 c.604A>G (p.I202V) variant has not been reported in the literature to our knowledge. This variant was not reported in the population database Genome Aggregation Database (PMID: 32461654). This variant has been reported in ClinVar (Variation ID: 407787). In silico tools suggest the impact of the variant on protein function is benign, though these predictions have not been confirmed by functional studies. The evidence is insufficient to meet ACMG/AMP criteria for classifying the variant as benign or pathogenic. Thus, the clinical significance of this variant is currently uncertain.

GeneDx
Classification: Uncertain significance. Last evaluated: 2019-11-12. Review status: criteria provided, single submitter. Criteria: GeneDx Variant Classification Process June 2021. Collection method: clinical testing. Allele origin: germline. Affected: yes.
Comment: Not observed in large population cohorts (Lek 2016); While protein-based in silico analysis supports that this variant does not alter protein structure/function, splice predictors suggest this variant may impact gene splicing. In the absence of RNA or functional studies, the actual effect of this sequence change is unknown.; Has not been previously published as pathogenic or benign to our knowledge